The following is an entry in ClinVar:

ClinVar aggregate classification (germline): Uncertain significance (1 of 4 stars; one submission).

Submission:

Labcorp Genetics (formerly Invitae), Labcorp
Classification: Uncertain significance. Last evaluated: 2019-11-08. Review status: criteria provided, single submitter. Criteria: Invitae Variant Classification Sherloc (09022015). Collection method: clinical testing. Allele origin: germline.
Comment: This variant results in a copy number gain of the genomic region encompassing the full coding sequence of the A2ML1 gene. The boundaries of this event are unknown as they extend beyond the assayed region for this gene and therefore may encompass additional genes. As the precise location of this event is unknown, it may be in tandem or it may be located elsewhere in the genome. This variant has not been reported in the literature in individuals with A2ML1-related conditions. In summary, the available evidence is currently insufficient to determine the role of this variant in disease. Therefore, it has been classified as a Variant of Uncertain Significance.

NC_000012.12:g.(?_8822632)_(8875031_?)dup

Gene: A2ML1 (alpha-2-macroglobulin like 1; plus strand). Cytogenetic location: 12p13.31.
Variant type: Duplication.
Identifiers: ClinVar variation 831191 (VCV000831191.2).